The following is an entry in ClinVar:

NM_021930.6(RINT1):c.925A>T (p.Met309Leu)

Gene: RINT1 (RAD50 interactor 1; plus strand). Cytogenetic location: 7q22.3.
Variant type: single nucleotide variant.
Coding change: c.925A>T on transcript NM_021930.6 (MANE Select); coding-DNA position 925, A replaced by T.
Protein change: p.Met309Leu; replaces methionine 309 with leucine.
Molecular consequence: missense variant. On other transcripts: 5 prime UTR variant (1), initiator codon variant (1), non-coding transcript variant (1), intron variant (1).
Genome position (GRCh38, 1-based): chr7:105,548,639, A>T. VCF-style: chr7-105548639-A-T. GRCh37 (hg19) VCF-style: chr7-105189086-A-T.
Other names: c.691A>T, p.Met231Leu (NM_001346599.2); c.-95A>T (NM_001346600.2); c.1A>T, p.Met1Leu (NM_001346601.2); c.-27-1416A>T (NM_001346603.2); short protein forms M309L, M1L, M231L.
Identifiers: ClinVar variation 3789205 (VCV003789205.1).

ClinVar aggregate classification (germline): Uncertain significance (1 of 4 stars; one submission).

Submission:

Ambry Genetics
Classification: Uncertain significance. Last evaluated: 2025-03-02. Review status: criteria provided, single submitter. Criteria: Ambry Variant Classification Scheme 2023. Collection method: clinical testing. Allele origin: germline.
Comment: The p.M309L variant (also known as c.925A>T), located in coding exon 7 of the RINT1 gene, results from an A to T substitution at nucleotide position 925. The methionine at codon 309 is replaced by leucine, an amino acid with highly similar properties. This amino acid position is conserved. In addition, this alteration is predicted to be tolerated by in silico analysis. Based on the available evidence, the clinical significance of this variant remains unclear.